The following is an entry in ClinVar:

ClinVar aggregate classification (germline): Pathogenic (1 of 4 stars; one submission).

Conditions:
Intellectual developmental disorder, X-linked 1. Also called: MENTAL RETARDATION, X-LINKED 18; MENTAL RETARDATION, X-LINKED 78; Atkin Flaitz Patil Smith syndrome; Intellectual disability, X-linked 1. Identifiers: Orphanet 777, MedGen C2931498, MONDO:0010656, OMIM 309530.

Submission:

Labcorp Genetics (formerly Invitae), Labcorp
Classification: Pathogenic for Intellectual developmental disorder, X-linked 1. Last evaluated: 2018-09-20. Review status: criteria provided, single submitter. Criteria: Invitae Variant Classification Sherloc (09022015). Collection method: clinical testing. Allele origin: germline.
Comment: This sequence change creates a premature translational stop signal (p.Glu396*) in the IQSEC2 gene. It is expected to result in an absent or disrupted protein product. This variant is not present in population databases (ExAC no frequency). This variant has not been reported in the literature in individuals with IQSEC2-related disease. Loss-of-function variants in IQSEC2 are known to be pathogenic (PMID: 21686261, 26793055, 27665735). For these reasons, this variant has been classified as Pathogenic.

Literature cited by the submitters: PubMed 21686261; PubMed 26793055; PubMed 27665735.

NM_001111125.3(IQSEC2):c.1186G>T (p.Glu396Ter)

Gene: IQSEC2 (IQ motif and Sec7 domain ArfGEF 2; minus strand). Cytogenetic location: Xp11.22.
Variant type: single nucleotide variant.
Coding change: c.1186G>T on transcript NM_001111125.3 (MANE Select); coding-DNA position 1186, G replaced by T.
Protein change: p.Glu396Ter; replaces glutamic acid 396 with a stop codon.
Molecular consequence: nonsense.
Genome position (GRCh38, 1-based): chrX:53,254,745, C>A on the plus strand (G>T on the coding strand, the complement: IQSEC2 is on the minus strand). VCF-style: chrX-53254745-C-A. GRCh37 (hg19) VCF-style: chrX-53283927-C-A.
Other names: c.571G>T, p.Glu191Ter (NM_015075.2); short protein forms E396*, E191*.
Identifiers: ClinVar variation 639042 (VCV000639042.7), dbSNP rs1602291658, ClinGen allele CA413169653.